The following is an entry in ClinVar:

NC_000001.11:g.(?_215758595)_(215759843_?)dup

Gene: USH2A (usherin; minus strand). Cytogenetic location: 1q41.
Variant type: Duplication.
Identifiers: ClinVar variation 833293 (VCV000833293.2).

ClinVar aggregate classification (germline): Uncertain significance (1 of 4 stars; one submission).

Submission:

Labcorp Genetics (formerly Invitae), Labcorp
Classification: Uncertain significance. Last evaluated: 2019-09-25. Review status: criteria provided, single submitter. Criteria: Invitae Variant Classification Sherloc (09022015). Collection method: clinical testing. Allele origin: germline.
Comment: This variant results in a copy number gain of the genomic region encompassing exons 57 to 58 of the USH2A gene. While the exact position of this variant cannot be determined from this data, sub-genic copy number gains are generally in tandem (PMID: 25640679). This variant would be expected to be in-frame, preserving the integrity of the reading frame. Experimental studies and prediction algorithms are not available or were not evaluated for this variant, and the functional significance of this variant is currently unknown. In summary, the available evidence is currently insufficient to determine the role of this variant in disease. Therefore, it has been classified as a Variant of Uncertain Significance.